The following is an entry in ClinVar:

ClinVar aggregate classification (germline): Uncertain significance (1 of 4 stars; one submission).

Allele frequency attached by ClinVar (database versions not stated): gnomAD exomes 0.00021; gnomAD 0.00036; TOPMed 0.00036; ESP Exome Variant Server 0.00039; ExAC 0.00050; 1000 Genomes Project 0.00060; 1000 Genomes Project 30x 0.00062.
gnomAD v4.1: 353 of 1,558,144 alleles (0.023%); highest among the groups gnomAD compares: African/African-American, 0.12%; no homozygotes.

Submission:

Labcorp Genetics (formerly Invitae), Labcorp
Classification: Uncertain significance. Last evaluated: 2025-11-12. Review status: criteria provided, single submitter. Criteria: Invitae Variant Classification Sherloc (09022015). Collection method: clinical testing. Allele origin: germline.
Comment: This sequence change replaces asparagine, which is neutral and polar, with serine, which is neutral and polar, at codon 1131 of the FBN3 protein (p.Asn1131Ser). This variant is present in population databases (rs75824176, gnomAD 0.09%), and has an allele count higher than expected for a pathogenic variant. This variant has not been reported in the literature in individuals affected with FBN3-related conditions. ClinVar contains an entry for this variant (Variation ID: 2084222). Invitae Evidence Modeling of protein sequence and biophysical properties (such as structural, functional, and spatial information, amino acid conservation, physicochemical variation, residue mobility, and thermodynamic stability) indicates that this missense variant is expected to disrupt FBN3 protein function with a positive predictive value of 80%. In summary, the available evidence is currently insufficient to determine the role of this variant in disease. Therefore, it has been classified as a Variant of Uncertain Significance.

NM_032447.5(FBN3):c.3392A>G (p.Asn1131Ser)

Gene: FBN3 (fibrillin 3; minus strand). Cytogenetic location: 19p13.2.
Variant type: single nucleotide variant.
Coding change: c.3392A>G on transcript NM_032447.5 (MANE Select); coding-DNA position 3392, A replaced by G.
Protein change: p.Asn1131Ser; replaces asparagine 1131 with serine.
Molecular consequence: missense variant.
Genome position (GRCh38, 1-based): chr19:8,117,535, T>C on the plus strand (A>G on the coding strand, the complement: FBN3 is on the minus strand). VCF-style: chr19-8117535-T-C. GRCh37 (hg19) VCF-style: chr19-8182419-T-C.
Other names: c.3392A>G, p.Asn1131Ser (NM_001321431.2); short protein forms N1131S.
Identifiers: ClinVar variation 2084222 (VCV002084222.4), dbSNP rs75824176, ClinGen allele CA9152462.